The following is an entry in ClinVar:

NM_020810.3(TRMT5):c.401_404del (p.Glu134fs)

Gene: TRMT5 (tRNA methyltransferase 5; minus strand). Cytogenetic location: 14q23.1.
Variant type: Microsatellite.
Coding change: c.401_404del on transcript NM_020810.3 (MANE Select); coding-DNA positions 401 to 404, 4 bases deleted (AAAG; older notation c.401_404delAAAG).
Protein change: p.Glu134fs; shifts the reading frame from glutamic acid 134.
Molecular consequence: frameshift variant.
Genome position (GRCh38, 1-based): chr14:60,979,494-60,979,497, CTTT deleted on the plus strand (AAAG on the coding strand, the reverse complement: TRMT5 is on the minus strand); deleting any 4 consecutive bases within chr14:60,979,494-60,979,501 gives the same sequence; the c. name uses the placement nearest the transcript's 3' end. VCF-style (leftmost placement, unchanged base first): chr14-60979493-ACTTT-A. GRCh37 (hg19) VCF-style: chr14-61446211-ACTTT-A.
Other names: c.401_404delAAAG (NM_020810.3); c.485_488del, p.Glu162fs (NM_001350253.1); c.482_485del, p.Glu161fs (NM_001350254.1); short protein forms E134fs, E161fs, E162fs.
Identifiers: ClinVar variation 4536715 (VCV004536715.1).

ClinVar aggregate classification (germline): Uncertain significance (1 of 4 stars; one submission).

Submission:

Women's Health and Genetics/Laboratory Corporation of America, LabCorp
Classification: Uncertain significance. Last evaluated: 2025-11-14. Review status: criteria provided, single submitter. Criteria: LabCorp Variant Classification Summary - May 2015. Collection method: clinical testing. Allele origin: germline.
Comment: Variant summary: TRMT5 c.401_404delAAAG (p.Glu134ValfsX3) results in a premature termination codon, predicted to cause a truncation of the encoded protein or absence of the protein due to nonsense mediated decay, however current evidence is not sufficient to establish loss of function as a mechanism for disease. The variant allele was found at a frequency of 4e-06 in 251388 control chromosomes. The available data on variant occurrences in the general population are insufficient to allow any conclusion about variant significance. To our knowledge, no occurrence of c.401_404delAAAG in individuals affected with TRMT5-related conditions and no experimental evidence demonstrating its impact on protein function have been reported. No submitters have cited clinical-significance assessments for this variant to ClinVar. Based on the evidence outlined above, the variant was classified as uncertain significance.